The following is an entry in ClinVar:

ClinVar aggregate classification (germline): Uncertain significance (1 of 4 stars; one submission).

Conditions:
Charcot-Marie-Tooth disease, type I (CMT1). Also called: Charcot-Marie-Tooth disease type 1; Charcot-Marie-Tooth, Type 1. Identifiers: Orphanet 65753, MedGen C0751036, MONDO:0019011.

Allele frequency attached by ClinVar (database versions not stated): gnomAD exomes below 0.00001; gnomAD 0.00001; TOPMed 0.00001.
gnomAD v4.1: 6 of 1,613,858 alleles (0.00037%); highest among the groups gnomAD compares: African/African-American, 0.0027%; no homozygotes.

Submission:

Labcorp Genetics (formerly Invitae), Labcorp
Classification: Uncertain significance for Charcot-Marie-Tooth disease, type I. Last evaluated: 2025-07-29. Review status: criteria provided, single submitter. Criteria: Invitae Variant Classification Sherloc (09022015). Collection method: clinical testing. Allele origin: germline.
Comment: This sequence change replaces isoleucine, which is neutral and non-polar, with valine, which is neutral and non-polar, at codon 77 of the PMP22 protein (p.Ile77Val). This variant is present in population databases (no rsID available, gnomAD 0.002%). This variant has not been reported in the literature in individuals affected with PMP22-related conditions. ClinVar contains an entry for this variant (Variation ID: 3017150). Invitae Evidence Modeling of protein sequence and biophysical properties (such as structural, functional, and spatial information, amino acid conservation, physicochemical variation, residue mobility, and thermodynamic stability) indicates that this missense variant is not expected to disrupt PMP22 protein function with a negative predictive value of 95%. In summary, the available evidence is currently insufficient to determine the role of this variant in disease. Therefore, it has been classified as a Variant of Uncertain Significance.

NM_000304.4(PMP22):c.229A>G (p.Ile77Val)

Gene: PMP22 (peripheral myelin protein 22; minus strand). Cytogenetic location: 17p12.
Variant type: single nucleotide variant.
Coding change: c.229A>G on transcript NM_000304.4 (MANE Select); coding-DNA position 229, A replaced by G.
Protein change: p.Ile77Val; replaces isoleucine 77 with valine.
Molecular consequence: missense variant. On other transcripts: non-coding transcript variant (2).
Genome position (GRCh38, 1-based): chr17:15,239,561, T>C on the plus strand (A>G on the coding strand, the complement: PMP22 is on the minus strand). VCF-style: chr17-15239561-T-C. GRCh37 (hg19) VCF-style: chr17-15142878-T-C.
Other names: c.229A>G, p.Ile77Val (NM_001281455.2, NM_001281456.2, NM_001330143.2 and 2 more transcripts); short protein forms I77V.
Identifiers: ClinVar variation 3017150 (VCV003017150.3), dbSNP rs936874481, ClinGen allele CA288098372.